The following is an entry in ClinVar:

NM_182914.3(SYNE2):c.17713-2A>G

Gene: SYNE2 (spectrin repeat containing nuclear envelope protein 2; plus strand). Cytogenetic location: 14q23.2.
Variant type: single nucleotide variant.
Coding change: c.17713-2A>G on transcript NM_182914.3 (MANE Select); the canonical splice acceptor site of the intron before coding-DNA position 17713, A replaced by G.
Molecular consequence: splice acceptor variant.
Genome position (GRCh38, 1-based): chr14:64,188,548, A>G. VCF-style: chr14-64188548-A-G. GRCh37 (hg19) VCF-style: chr14-64655266-A-G.
Other names: c.17713-2A>G (NM_015180.6).
Identifiers: ClinVar variation 2814121 (VCV002814121.3), dbSNP rs2549790070, ClinGen allele CA389991561.

ClinVar aggregate classification (germline): Uncertain significance (1 of 4 stars; one submission).

Conditions:
Emery-Dreifuss muscular dystrophy 5, autosomal dominant (EDMD5). Also called: EMERY-DREIFUSS MUSCULAR DYSTROPHY 5. Identifiers: Orphanet 261, MedGen C2751805, MONDO:0013072, OMIM 612999.

Submission:

Labcorp Genetics (formerly Invitae), Labcorp
Classification: Uncertain significance for Emery-Dreifuss muscular dystrophy 5, autosomal dominant. Last evaluated: 2022-12-13. Review status: criteria provided, single submitter. Criteria: Invitae Variant Classification Sherloc (09022015). Collection method: clinical testing. Allele origin: germline.
Comment: This sequence change affects an acceptor splice site in intron 97 of the SYNE2 gene. It is expected to disrupt RNA splicing. Variants that disrupt the donor or acceptor splice site typically lead to a loss of protein function (PMID: 16199547), however the current clinical and genetic evidence is not sufficient to establish whether loss-of-function variants in SYNE2 cause disease. This variant is not present in population databases (gnomAD no frequency). This variant has not been reported in the literature in individuals affected with SYNE2-related conditions. Algorithms developed to predict the effect of sequence changes on RNA splicing suggest that this variant may disrupt the consensus splice site. In summary, the available evidence is currently insufficient to determine the role of this variant in disease. Therefore, it has been classified as a Variant of Uncertain Significance.

Literature cited by the submitters: PubMed 16199547.